The following is an entry in ClinVar:

NM_014795.4(ZEB2):c.1439C>T (p.Ala480Val)

Gene: ZEB2 (zinc finger E-box binding homeobox 2; minus strand). Cytogenetic location: 2q22.3.
Variant type: single nucleotide variant.
Coding change: c.1439C>T on transcript NM_014795.4 (MANE Select); coding-DNA position 1439, C replaced by T.
Protein change: p.Ala480Val; replaces alanine 480 with valine.
Molecular consequence: missense variant.
Genome position (GRCh38, 1-based): chr2:144,399,748, G>A on the plus strand (C>T on the coding strand, the complement: ZEB2 is on the minus strand). VCF-style: chr2-144399748-G-A. GRCh37 (hg19) VCF-style: chr2-145157315-G-A.
Other names: c.1367C>T, p.Ala456Val (NM_001171653.2); short protein forms A456V, A480V.
Identifiers: ClinVar variation 2092409 (VCV002092409.4), dbSNP rs13017697, ClinGen allele CA57555930.

ClinVar aggregate classification (germline): Uncertain significance (1 of 4 stars; one submission).

Conditions:
Mowat-Wilson syndrome (MOWS). Also called: Classic Mowat-Wilson Syndrome. Identifiers: Orphanet 2152, MedGen C1856113, MONDO:0009341, OMIM 235730.

Allele frequency attached by ClinVar (database versions not stated): gnomAD exomes below 0.00001.
gnomAD v4.1: 1 of 1,613,876 alleles (0.000062%); highest among the groups gnomAD compares: South Asian, 0.0011%; no homozygotes.

Submission:

Labcorp Genetics (formerly Invitae), Labcorp
Classification: Uncertain significance for Mowat-Wilson syndrome. Last evaluated: 2022-02-03. Review status: criteria provided, single submitter. Criteria: Invitae Variant Classification Sherloc (09022015). Collection method: clinical testing. Allele origin: germline.
Comment: In summary, the available evidence is currently insufficient to determine the role of this variant in disease. Therefore, it has been classified as a Variant of Uncertain Significance. Algorithms developed to predict the effect of sequence changes on RNA splicing suggest that this variant may create or strengthen a splice site. Algorithms developed to predict the effect of missense changes on protein structure and function (SIFT, PolyPhen-2, Align-GVGD) all suggest that this variant is likely to be tolerated. This variant has not been reported in the literature in individuals affected with ZEB2-related conditions. This variant is not present in population databases (gnomAD no frequency). This sequence change replaces alanine, which is neutral and non-polar, with valine, which is neutral and non-polar, at codon 480 of the ZEB2 protein (p.Ala480Val).